The following is an entry in ClinVar:

ClinVar aggregate classification (germline): Uncertain significance (1 of 4 stars; one submission).

Conditions:
Encephalopathy, acute, infection-induced (herpes-specific), susceptibility to, 1. Also called: Herpes simplex encephalitis, susceptibility to, 1. Identifiers: Orphanet 1930, MedGen C2750180, MONDO:0024563, OMIM 610551.

Submission:

Labcorp Genetics (formerly Invitae), Labcorp
Classification: Uncertain significance for Encephalopathy, acute, infection-induced (herpes-specific), susceptibility to, 1. Last evaluated: 2023-01-22. Review status: criteria provided, single submitter. Criteria: Invitae Variant Classification Sherloc (09022015). Collection method: clinical testing. Allele origin: germline.
Comment: This variant is not present in population databases (gnomAD no frequency). This variant has not been reported in the literature in individuals affected with TLR3-related conditions. In summary, the available evidence is currently insufficient to determine the role of this variant in disease. Therefore, it has been classified as a Variant of Uncertain Significance. This sequence change creates a premature translational stop signal (p.Trp660*) in the TLR3 gene. It is expected to result in an absent or disrupted protein product. However, the current clinical and genetic evidence is not sufficient to establish whether loss-of-function variants in TLR3 cause disease.

NM_003265.3(TLR3):c.1980G>A (p.Trp660Ter)

Gene: TLR3 (toll like receptor 3; plus strand). Cytogenetic location: 4q35.1.
Variant type: single nucleotide variant.
Coding change: c.1980G>A on transcript NM_003265.3 (MANE Select); coding-DNA position 1980, G replaced by A.
Protein change: p.Trp660Ter; replaces tryptophan 660 with a stop codon.
Molecular consequence: nonsense.
Genome position (GRCh38, 1-based): chr4:186,083,666, G>A. VCF-style: chr4-186083666-G-A. GRCh37 (hg19) VCF-style: chr4-187004820-G-A.
Other names: short protein forms W660*.
Identifiers: ClinVar variation 2831141 (VCV002831141.3), dbSNP rs2478228654, ClinGen allele CA358934678.